The following is an entry in ClinVar:

NM_000124.4(ERCC6):c.1224dup (p.Lys409fs)

Genes: ERCC6 (ERCC excision repair 6, chromatin remodeling factor; minus strand), PGBD3 (piggyBac transposable element derived 3; minus strand). Cytogenetic location: 10q11.23.
Variant type: Duplication.
Coding change: c.1224dup on transcript NM_000124.4 (MANE Select); coding-DNA position 1224, one base duplicated (C; older notation c.1224dupC).
Protein change: p.Lys409fs; shifts the reading frame from lysine 409.
Molecular consequence: frameshift variant. On other transcripts: 5 prime UTR variant (1).
Genome position (GRCh38, 1-based): chr10:49,524,206, G duplicated on the plus strand (C on the coding strand, the reverse complement: ERCC6 is on the minus strand); the first of 3 consecutive G bases (chr10:49,524,206-49,524,208); duplicating any one gives the same sequence. VCF-style (leftmost placement, unchanged base first): chr10-49524205-T-TG. GRCh37 (hg19) VCF-style: chr10-50732251-T-TG.
Other names: c.1224dup, p.Lys409fs (NM_001277058.2, NM_001277059.2, NM_001346440.2); c.-181dup (NM_170753.3); short protein forms K409fs.
Identifiers: ClinVar variation 5012306 (VCV005012306.1).
Genomic context (GRCh38, chr10:49,524,205, plus strand): 5'-TTGGGAAAAAGTCATCATCAATCTCCTGCACTGGCACTTTCTTCTGCCGTTTCCCGCCCT[T>TG]GGGCAGAGGCTTCAGCTCATAGTCAGTACCATCTCCAGACAGGTCCGCCTCTGCCCCCTC-3'

ClinVar aggregate classification (germline): Pathogenic (1 of 4 stars; one submission).

Conditions:
Cockayne spectrum with or without cerebrooculofacioskeletal syndrome. Identifiers: MedGen CN315928, MONDO:0100506.

Submission:

Myriad Genetics, Inc.
Classification: Pathogenic for Cockayne spectrum with or without cerebrooculofacioskeletal syndrome. Last evaluated: 2023-09-27. Review status: criteria provided, single submitter. Criteria: Myriad Autosomal Dominant, Autosomal Recessive and X-Linked Classification Criteria (2023). Collection method: clinical testing. Allele origin: unknown.
Comment: NM_000124.2(ERCC6):c.1224dupC(K409Qfs*15) is expected to be pathogenic in the context of ERCC6-related disorders. This variant is predicted to lead to an abnormal or absent protein product due to the creation of a premature termination codon in ERCC6, a gene where loss-of-function variants are known to be pathogenic. Please note: this variant was assessed in the context of healthy population screening.